The following is an entry in ClinVar:

NM_001928.4(CFD):c.527G>C (p.Arg176Pro)

Gene: CFD (complement factor D; plus strand). Cytogenetic location: 19p13.3.
Variant type: single nucleotide variant.
Coding change: c.527G>C on transcript NM_001928.4 (MANE Select); coding-DNA position 527, G replaced by C.
Protein change: p.Arg176Pro; replaces arginine 176 with proline.
Molecular consequence: missense variant.
Genome position (GRCh38, 1-based): chr19:861,868, G>C. VCF-style: chr19-861868-G-C. GRCh37 (hg19) VCF-style: chr19-861868-G-C.
Other names: c.548G>C, p.Arg183Pro (NM_001317335.2); short protein forms R176P, R183P.
Identifiers: ClinVar variation 1504256 (VCV001504256.6), dbSNP rs1175205795, ClinGen allele CA402922881.

ClinVar aggregate classification (germline): Uncertain significance (1 of 4 stars; one submission).

Allele frequency attached by ClinVar (database versions not stated): TOPMed below 0.00001; gnomAD 0.00001.
gnomAD v4.1: 1 of 1,594,584 alleles (0.000063%); highest among the groups gnomAD compares: Non-Finnish European, 0.000085%; no homozygotes.

Submission:

Labcorp Genetics (formerly Invitae), Labcorp
Classification: Uncertain significance. Last evaluated: 2021-03-22. Review status: criteria provided, single submitter. Criteria: Invitae Variant Classification Sherloc (09022015). Collection method: clinical testing. Allele origin: germline.
Comment: This variant has not been reported in the literature in individuals with CFD-related conditions. In summary, the available evidence is currently insufficient to determine the role of this variant in disease. Therefore, it has been classified as a Variant of Uncertain Significance. Algorithms developed to predict the effect of missense changes on protein structure and function are either unavailable or do not agree on the potential impact of this missense change (SIFT: "Not Available"; PolyPhen-2: "Probably Damaging"; Align-GVGD: "Not Available"). This variant is not present in population databases (ExAC no frequency). This sequence change replaces arginine with proline at codon 176 of the CFD protein (p.Arg176Pro). The arginine residue is highly conserved and there is a moderate physicochemical difference between arginine and proline.